The following is an entry in ClinVar:

ClinVar aggregate classification (germline): Uncertain significance (1 of 4 stars; one submission).

Allele frequency attached by ClinVar (database versions not stated): gnomAD exomes 0.00001 and 0.00002; ExAC 0.00002; TOPMed 0.00002; gnomAD 0.00003 and 0.00004.
gnomAD v4.1: 37 of 1,608,270 alleles (0.0023%); highest among the groups gnomAD compares: Non-Finnish European, 0.0029%; no homozygotes.

Submission:

Center for Pediatric Genomic Medicine, Children's Mercy Hospital and Clinics
Classification: Uncertain significance. Last evaluated: 2016-11-10. Review status: criteria provided, single submitter. Criteria: ACMG Guidelines, 2015. Collection method: clinical testing. Allele origin: germline.
ClinVar note: Converted during submission from Uncertain Significance to Uncertain significance.

NM_004667.6(HERC2):c.2945A>G (p.His982Arg)

Gene: HERC2 (HECT and RLD domain containing E3 ubiquitin protein ligase 2; minus strand). Cytogenetic location: 15q13.1.
Variant type: single nucleotide variant.
Coding change: c.2945A>G on transcript NM_004667.6 (MANE Select); coding-DNA position 2945, A replaced by G.
Protein change: p.His982Arg; replaces histidine 982 with arginine.
Molecular consequence: missense variant.
Genome position (GRCh38, 1-based): chr15:28,254,445, T>C on the plus strand (A>G on the coding strand, the complement: HERC2 is on the minus strand). VCF-style: chr15-28254445-T-C. GRCh37 (hg19) VCF-style: chr15-28499591-T-C.
Other names: short protein forms H982R.
Identifiers: ClinVar variation 376851 (VCV000376851.3), dbSNP rs748362699, ClinGen allele CA7443034.